The following is an entry in ClinVar:

ClinVar aggregate classification (germline): Uncertain significance. Review status: criteria provided, multiple submitters, no conflicts (2 of 4 stars). 2 submissions from 2 submitters: Uncertain significance (2). Last evaluated 2026-03-12.

Conditions:
Hereditary cancer-predisposing syndrome. Also called: Hereditary Cancer Syndrome; Neoplastic Syndromes, Hereditary; Tumor predisposition; Hereditary neoplastic syndrome. Identifiers: Orphanet 140162, MedGen C0027672, MeSH D009386, MONDO:0015356.

Submissions (2):

Ambry Genetics
Classification: Uncertain significance for Hereditary cancer-predisposing syndrome. Last evaluated: 2026-03-12. Review status: criteria provided, single submitter. Criteria: Ambry Variant Classification Scheme 2023. Collection method: clinical testing. Allele origin: germline.
Comment: The p.E622K variant (also known as c.1864G>A), located in coding exon 13 of the MSH3 gene, results from a G to A substitution at nucleotide position 1864. The glutamic acid at codon 622 is replaced by lysine, an amino acid with similar properties. This amino acid position is conserved. In addition, this alteration is predicted to be deleterious by in silico analysis. Based on the available evidence, the clinical significance of this variant remains unclear.

Labcorp Genetics (formerly Invitae), Labcorp
Classification: Uncertain significance. Last evaluated: 2020-10-02. Review status: criteria provided, single submitter. Criteria: Invitae Variant Classification Sherloc (09022015). Collection method: clinical testing. Allele origin: germline.
Comment: This variant has not been reported in the literature in individuals with MSH3-related conditions. Algorithms developed to predict the effect of missense changes on protein structure and function are either unavailable or do not agree on the potential impact of this missense change (SIFT: "Tolerated"; PolyPhen-2: "Probably Damaging"; Align-GVGD: "Class C0"). This variant is not present in population databases (ExAC no frequency). This sequence change replaces glutamic acid with lysine at codon 622 of the MSH3 protein (p.Glu622Lys). The glutamic acid residue is moderately conserved and there is a small physicochemical difference between glutamic acid and lysine. In summary, the available evidence is currently insufficient to determine the role of this variant in disease. Therefore, it has been classified as a Variant of Uncertain Significance.

NM_002439.5(MSH3):c.1864G>A (p.Glu622Lys)

Gene: MSH3 (mutS homolog 3; plus strand). Cytogenetic location: 5q14.1.
Variant type: single nucleotide variant.
Coding change: c.1864G>A on transcript NM_002439.5 (MANE Select); coding-DNA position 1864, G replaced by A.
Protein change: p.Glu622Lys; replaces glutamic acid 622 with lysine.
Molecular consequence: missense variant.
Genome position (GRCh38, 1-based): chr5:80,761,646, G>A. VCF-style: chr5-80761646-G-A. GRCh37 (hg19) VCF-style: chr5-80057465-G-A.
Other names: c.1864G>A (NM_002439.3); short protein forms E622K.
Identifiers: ClinVar variation 1035531 (VCV001035531.9), dbSNP rs1744037138, ClinGen allele CA360276674.